The following is an entry in ClinVar:

ClinVar aggregate classification (germline): Benign. Review status: criteria provided, multiple submitters, no conflicts (2 of 4 stars). 2 submissions from 2 submitters: Benign (2). Last evaluated 2021-05-04.

Allele frequency attached by ClinVar (database versions not stated): gnomAD exomes 0.28948 and 0.34163; ExAC 0.33387; ESP Exome Variant Server 0.36929; gnomAD 0.37371 and 0.37612; 1000 Genomes Project 0.40575; TOPMed 0.40891; 1000 Genomes Project 30x 0.41989.
gnomAD v4.1: 480,984 of 1,613,924 alleles (30%); highest among the groups gnomAD compares: Admixed American, 61%; 80,308 homozygotes.

Submissions (2):

GeneDx
Classification: Benign. Last evaluated: 2021-05-04. Review status: criteria provided, single submitter. Criteria: GeneDx Variant Classification Process June 2021. Collection method: clinical testing. Allele origin: germline. Affected: yes.
Comment: This variant is associated with the following publications: (PMID: 22182810, 19740467, 12801623, 12119189, 28902428)

Breakthrough Genomics
Classification: Benign. Review status: criteria provided, single submitter. Criteria: ACMG Guidelines, 2015. Collection method: not provided. Allele origin: germline. Inheritance: Unknown mechanism. Affected: yes.

NM_004599.4(SREBF2):c.1784G>C (p.Gly595Ala)

Gene: SREBF2 (sterol regulatory element binding transcription factor 2; plus strand). Cytogenetic location: 22q13.2.
Variant type: single nucleotide variant.
Coding change: c.1784G>C on transcript NM_004599.4 (MANE Select); coding-DNA position 1784, G replaced by C.
Protein change: p.Gly595Ala; replaces glycine 595 with alanine.
Molecular consequence: missense variant. On other transcripts: non-coding transcript variant (1).
Genome position (GRCh38, 1-based): chr22:41,880,738, G>C. VCF-style: chr22-41880738-G-C. GRCh37 (hg19) VCF-style: chr22-42276742-G-C.
Other names: short protein forms G595A.
Identifiers: ClinVar variation 1285913 (VCV001285913.2), dbSNP rs2228314, ClinGen allele CA10261760.